The following is an entry in ClinVar:

NM_000257.4(MYH7):c.2573G>T (p.Arg858Leu)

Genes: MYH7 (myosin heavy chain 7; minus strand), LOC126861898 (BRD4-independent group 4 enhancer GRCh37_chr14:23893609-23894808; plus strand). Cytogenetic location: 14q11.2.
Variant type: single nucleotide variant.
Coding change: c.2573G>T on transcript NM_000257.4 (MANE Select); coding-DNA position 2573, G replaced by T.
Protein change: p.Arg858Leu; replaces arginine 858 with leucine.
Molecular consequence: missense variant.
Genome position (GRCh38, 1-based): chr14:23,424,875, C>A on the plus strand (G>T on the coding strand, the complement: MYH7 is on the minus strand). VCF-style: chr14-23424875-C-A. GRCh37 (hg19) VCF-style: chr14-23894084-C-A.
Other names: c.2573G>T (NM_000257.2); short protein forms R858L.
Identifiers: ClinVar variation 3071078 (VCV003071078.6), dbSNP rs2856897, ClinGen allele CA033255.

ClinVar aggregate classification (germline): Conflicting classifications of pathogenicity. Review status: criteria provided, conflicting classifications (1 of 4 stars). 4 submissions from 4 submitters: Likely pathogenic (2); Uncertain significance (2). Last evaluated 2026-06-15.

Conditions:
Cardiomyopathy (CMYO). Also called: Cardiomyopathies. Identifiers: Orphanet 167848, MedGen C0878544, MONDO:0004994, HP:0001638. Inheritance: Various modes of inheritance.
Hypertrophic cardiomyopathy. Also called: HYPERTROPHIC MYOCARDIOPATHY. Identifiers: Orphanet 217569, MedGen C0007194, MeSH D002312, MONDO:0005045, HP:0001639.

gnomAD v4.1: 4 of 1,614,226 alleles (0.00025%); highest among the groups gnomAD compares: East Asian, 0.0022%; no homozygotes.

Submissions (4):

GeneDx
Classification: Likely pathogenic. Last evaluated: 2026-06-15. Review status: criteria provided, single submitter. Criteria: GeneDx Variant Classification Process June 2021. Collection method: clinical testing. Allele origin: germline.
Comment: Not observed at significant frequency in large population cohorts (gnomAD); In silico analysis supports that this missense variant has a deleterious effect on protein structure/function; Has not been previously published as pathogenic or benign to our knowledge; This variant is associated with the following publications: (PMID: 27532257, 29300372)

Labcorp Genetics (formerly Invitae), Labcorp
Classification: Likely pathogenic for Hypertrophic cardiomyopathy. Last evaluated: 2024-02-12. Review status: criteria provided, single submitter. Criteria: Invitae Variant Classification Sherloc (09022015). Collection method: clinical testing. Allele origin: germline.
Comment: This sequence change replaces arginine, which is basic and polar, with leucine, which is neutral and non-polar, at codon 858 of the MYH7 protein (p.Arg858Leu). This variant is not present in population databases (gnomAD no frequency). This missense change has been observed in individual(s) with hypertrophic cardiomyopathy (PMID: 19539541). Advanced modeling of protein sequence and biophysical properties (such as structural, functional, and spatial information, amino acid conservation, physicochemical variation, residue mobility, and thermodynamic stability) performed at Invitae indicates that this missense variant is expected to disrupt MYH7 protein function with a positive predictive value of 95%. This variant disrupts the p.Arg858 amino acid residue in MYH7. Other variant(s) that disrupt this residue have been determined to be pathogenic (PMID: 15358028, 24093860, 28498465). This suggests that this residue is clinically significant, and that variants that disrupt this residue are likely to be disease-causing. In summary, the currently available evidence indicates that the variant is pathogenic, but additional data are needed to prove that conclusively. Therefore, this variant has been classified as Likely Pathogenic.

All of Us Research Program, National Institutes of Health
Classification: Uncertain significance for Cardiomyopathy. Last evaluated: 2024-01-11. Review status: criteria provided, single submitter. Criteria: ACMG Guidelines, 2015. Collection method: clinical testing. Allele origin: germline. Inheritance: Autosomal dominant inheritance. Observed: 5 variant alleles, 5 heterozygotes.
Comment: This missense variant replaces arginine with leucine at codon 858 of the MYH7 protein. Computational prediction suggests that this variant may not impact protein structure and function (internally defined REVEL score threshold <= 0.5, PMID: 27666373). To our knowledge, functional studies have not been reported for this variant. This variant has been reported in an individual affected with hypertrophic cardiomyopathy (19539541). This variant has been identified in 1/251456 chromosomes in the general population by the Genome Aggregation Database (gnomAD). Different variants affecting the same codon, p.Arg858Cys and p.Arg858His, are considered to be disease-causing (ClinVar variation ID: 164324 and 177696), suggesting that leucine at this position is important for MYH7 protein function. The available evidence is insufficient to determine the role of this variant in disease conclusively. Therefore, this variant is classified as a Variant of Uncertain Significance.

This study involves interpretation of variants in research participants for the purpose of population health screening. Participant phenotype was not available at the time of variant classification. Additional details can be found in publication PMID: 35346344, PMCID: PMC8962531

Blueprint Genetics
Classification: Uncertain significance. Last evaluated: 2023-08-07. Review status: criteria provided, single submitter. Criteria: ACMG Guidelines, 2015. Collection method: clinical testing. Allele origin: germline.

Literature cited by the submitters: PubMed 19539541 (cited by Labcorp Genetics (formerly Invitae), Labcorp); PubMed 15358028 (cited by Labcorp Genetics (formerly Invitae), Labcorp); PubMed 24093860 (cited by Labcorp Genetics (formerly Invitae), Labcorp); PubMed 28498465 (cited by Labcorp Genetics (formerly Invitae), Labcorp).